The following is an entry in ClinVar:

ClinVar aggregate classification (germline): Benign. Review status: criteria provided, multiple submitters, no conflicts (2 of 4 stars). 2 submissions from 2 submitters: Benign (2). Last evaluated 2018-01-13.

Conditions:
Thyroid hormone resistance, generalized, autosomal dominant (GRTHD). Also called: HYPERTHYROXINEMIA, FAMILIAL EUTHYROID, SECONDARY TO PITUITARY AND PERIPHERAL RESISTANCE TO THYROID HORMONES. Identifiers: MedGen C2937288, MONDO:0008569, OMIM 188570.

Allele frequency attached by ClinVar (database versions not stated): TOPMed 0.22427; gnomAD 0.22993; 1000 Genomes Project 0.25120; 1000 Genomes Project 30x 0.25172.
gnomAD v4.1: 50,003 of 219,520 alleles (23%); highest among the groups gnomAD compares: East Asian, 54%; 6,414 homozygotes.

Submissions (2):

Illumina Laboratory Services, Illumina
Classification: Benign for Thyroid hormone resistance, generalized, autosomal dominant. Last evaluated: 2018-01-13. Review status: criteria provided, single submitter. Criteria: ICSL Variant Classification Criteria 13 December 2019. Collection method: clinical testing. Allele origin: germline.
Comment: This variant was observed in the ICSL laboratory as part of a predisposition screen in an ostensibly healthy population. It had not been previously curated by ICSL or reported in the Human Gene Mutation Database (HGMD: prior to June 1st, 2018), and was therefore a candidate for classification through an automated scoring system. Utilizing variant allele frequency, disease prevalence and penetrance estimates, and inheritance mode, an automated score was calculated to assess if this variant is too frequent to cause the disease. Based on the score and internal cut-off values, a variant classified as benign is not then subjected to further curation. The score for this variant resulted in a classification of benign for this disease.

Breakthrough Genomics
Classification: Benign. Review status: criteria provided, single submitter. Criteria: ACMG Guidelines, 2015. Collection method: not provided. Allele origin: germline. Inheritance: Autosomal recessive inheritance. Affected: yes.

NM_001354712.2(THRB):c.*454T>G

Gene: THRB (thyroid hormone receptor beta; minus strand). Cytogenetic location: 3p24.2.
Variant type: single nucleotide variant.
Coding change: c.*454T>G on transcript NM_001354712.2 (MANE Select); 454 bases downstream of the stop codon, T replaced by G.
Molecular consequence: 3 prime UTR variant.
Genome position (GRCh38, 1-based): chr3:24,122,430, A>C on the plus strand (T>G on the coding strand, the complement: THRB is on the minus strand). VCF-style: chr3-24122430-A-C. GRCh37 (hg19) VCF-style: chr3-24163921-A-C.
Other names: c.*454T>G (NM_000461.5, NM_001128176.3, NM_001128177.2 and 8 more transcripts).
Identifiers: ClinVar variation 344629 (VCV000344629.6), dbSNP rs826374, ClinGen allele CA10618007.
Genomic context (GRCh38, chr3:24,122,430, plus strand): 5'-AAAGAGTGCTGCAAACAGCATGCTCTTGAATAGATGAAAATTTGTTCGAGTCTTTCCCTA[A>C]AAGGCTGAAAGCCACATCTAACTAAAGGTGGTCTGTGCTCTGTTAACTTCAGCCCTGCGA-3'